The following is an entry in ClinVar:

ClinVar aggregate classification (germline): Likely benign. Review status: reviewed by expert panel (3 of 4 stars). 4 submissions from 4 submitters: Likely benign (1). 3 of the submissions do not count toward it. Last evaluated 2013-09-05.

Conditions:
Lynch syndrome. Identifiers: Orphanet 144, MedGen C4552100, MONDO:0005835. Disease mechanism: loss of function.

Submissions (4):

International Society for Gastrointestinal Hereditary Tumours (InSiGHT)
Classification: Likely benign for Lynch Syndrome. Last evaluated: 2013-09-05. Review status: reviewed by expert panel. Criteria: Guidelines v1.9. Collection method: research. Allele origin: germline.
Comment: Intronic variant with no effect on splicing & MAF 0.01-1%

Classified with v1.9 guidelines

GeneDx
Classification: Benign. Last evaluated: 2018-06-23. Review status: criteria provided, single submitter. Criteria: GeneDx Variant Classification Process June 2021. Collection method: clinical testing. Allele origin: germline. Affected: yes. Not counted in ClinVar's aggregate classification.

Women's Health and Genetics/Laboratory Corporation of America, LabCorp
Classification: Benign for Lynch syndrome. Last evaluated: 2011-01-06. Review status: no assertion criteria provided. Collection method: clinical testing. Allele origin: germline. Not counted in ClinVar's aggregate classification.

Mayo Clinic Laboratories, Mayo Clinic
Classification: Benign. Review status: no assertion criteria provided. Collection method: research. Allele origin: unknown. Observed: 268 variant alleles, 242 homozygotes. Not counted in ClinVar's aggregate classification.

MSH6:c.3647-51_3647-35del17

Gene: MSH6 (mutS homolog 6; plus strand). Cytogenetic location: 2p16.3.
Variant type: Microsatellite.
Molecular consequence: intron variant (on NM_000179.3).
Genome position: GRCh38 VCF-style: chr2-47806133-ATTTTTGTTTTAATTCCT-A. GRCh37 (hg19) VCF-style: chr2-48033272-ATTTTTGTTTTAATTCCT-A.
Other names: c.3647-51_3647-35del (NM_000179.3); c.2741-51_2741-35del (NM_001281493.2, NM_001281494.2); c.3257-51_3257-35del (NM_001281492.2); c.3647-51_3647-35delTTTGTTTTAATTCCTTT (NM_000179.2); c.3647-68_3647-52delTTTGTTTTAATTCCTTT (NM_000179.2).
Identifiers: ClinVar variation 89436 (VCV000089436.9), dbSNP rs267607687, ClinGen allele CA210400.